The following is an entry in ClinVar:

NM_002299.4(LCT):c.4975C>T (p.Arg1659Trp)

Gene: LCT (lactase; minus strand). Cytogenetic location: 2q21.3.
Variant type: single nucleotide variant.
Coding change: c.4975C>T on transcript NM_002299.4 (MANE Select); coding-DNA position 4975, C replaced by T.
Protein change: p.Arg1659Trp; replaces arginine 1659 with tryptophan.
Molecular consequence: missense variant.
Genome position (GRCh38, 1-based): chr2:135,798,030, G>A on the plus strand (C>T on the coding strand, the complement: LCT is on the minus strand). VCF-style: chr2-135798030-G-A. GRCh37 (hg19) VCF-style: chr2-136555600-G-A.
Other names: short protein forms R1659W.
Identifiers: ClinVar variation 1940641 (VCV001940641.5), dbSNP rs748953990, ClinGen allele CA1887728.

ClinVar aggregate classification (germline): Uncertain significance (1 of 4 stars; one submission).

Allele frequency attached by ClinVar (database versions not stated): gnomAD exomes below 0.00001; ExAC 0.00001.
gnomAD v4.1: 5 of 1,586,098 alleles (0.00032%); highest among the groups gnomAD compares: Admixed American, 0.0017%; no homozygotes.

Submission:

Labcorp Genetics (formerly Invitae), Labcorp
Classification: Uncertain significance. Last evaluated: 2022-04-11. Review status: criteria provided, single submitter. Criteria: Invitae Variant Classification Sherloc (09022015). Collection method: clinical testing. Allele origin: germline.
Comment: In summary, the available evidence is currently insufficient to determine the role of this variant in disease. Therefore, it has been classified as a Variant of Uncertain Significance. This sequence change replaces arginine, which is basic and polar, with tryptophan, which is neutral and slightly polar, at codon 1659 of the LCT protein (p.Arg1659Trp). This variant is present in population databases (rs748953990, gnomAD 0.003%). This variant has not been reported in the literature in individuals affected with LCT-related conditions. Algorithms developed to predict the effect of missense changes on protein structure and function are either unavailable or do not agree on the potential impact of this missense change (SIFT: "Not Available"; PolyPhen-2: "Probably Damaging"; Align-GVGD: "Not Available").